The following is an entry in ClinVar:

ClinVar aggregate classification (germline): Uncertain significance (1 of 4 stars; one submission).

Submission:

Labcorp Genetics (formerly Invitae), Labcorp
Classification: Uncertain significance. Last evaluated: 2024-04-29. Review status: criteria provided, single submitter. Criteria: Invitae Variant Classification Sherloc (09022015). Collection method: clinical testing. Allele origin: germline.
Comment: This sequence change replaces alanine, which is neutral and non-polar, with valine, which is neutral and non-polar, at codon 88 of the DUOX2 protein (p.Ala88Val). This variant is not present in population databases (gnomAD no frequency). This variant has not been reported in the literature in individuals affected with DUOX2-related conditions. Advanced modeling of protein sequence and biophysical properties (such as structural, functional, and spatial information, amino acid conservation, physicochemical variation, residue mobility, and thermodynamic stability) performed at Invitae indicates that this missense variant is not expected to disrupt DUOX2 protein function with a negative predictive value of 80%. In summary, the available evidence is currently insufficient to determine the role of this variant in disease. Therefore, it has been classified as a Variant of Uncertain Significance.

NM_001363711.2(DUOX2):c.263C>T (p.Ala88Val)

Gene: DUOX2 (dual oxidase 2; minus strand). Cytogenetic location: 15q21.1.
Variant type: single nucleotide variant.
Coding change: c.263C>T on transcript NM_001363711.2 (MANE Select); coding-DNA position 263, C replaced by T.
Protein change: p.Ala88Val; replaces alanine 88 with valine.
Molecular consequence: missense variant.
Genome position (GRCh38, 1-based): chr15:45,112,616, G>A on the plus strand (C>T on the coding strand, the complement: DUOX2 is on the minus strand). VCF-style: chr15-45112616-G-A. GRCh37 (hg19) VCF-style: chr15-45404814-G-A.
Other names: c.263C>T, p.Ala88Val (NM_014080.5); short protein forms A88V.
Identifiers: ClinVar variation 3651515 (VCV003651515.2).